The following is an entry in ClinVar:

ClinVar aggregate classification (germline): Likely benign (1 of 4 stars; one submission).

Conditions:
PLXNA3-related disorder. Also called: PLXNA3-related condition.

Submission:

PreventionGenetics, part of Exact Sciences
Classification: Likely benign for PLXNA3-related condition. Last evaluated: 2024-10-22. Review status: criteria provided, single submitter. Criteria: ACMG Guidelines, 2015. Collection method: clinical testing. Allele origin: germline.
Comment: This variant is classified as likely benign based on ACMG/AMP sequence variant interpretation guidelines (Richards et al. 2015 PMID: 25741868, with internal and published modifications).

NM_017514.5(PLXNA3):c.3495G>A (p.Val1165=)

Gene: PLXNA3 (plexin A3; plus strand). Cytogenetic location: Xq28.
Variant type: single nucleotide variant.
Coding change: c.3495G>A on transcript NM_017514.5 (MANE Select); coding-DNA position 3495, G replaced by A.
Protein change: p.Val1165=; no amino-acid change (valine 1165 retained).
Molecular consequence: synonymous variant.
Genome position (GRCh38, 1-based): chrX:154,467,598, G>A. VCF-style: chrX-154467598-G-A. GRCh37 (hg19) VCF-style: chrX-153695941-G-A.
Identifiers: ClinVar variation 4990434 (VCV004990434.1).